The following is an entry in ClinVar:

ClinVar aggregate classification (germline): Uncertain significance (1 of 4 stars; one submission).

Conditions:
Majeed syndrome (MJDS). Also called: LPIN2-Related Majeed Syndrome; CHRONIC RECURRENT MULTIFOCAL OSTEOMYELITIS 1, WITH CONGENITAL DYSERYTHROPOIETIC ANEMIA, WITH OR WITHOUT NEUTROPHILIC DERMATOSIS. Identifiers: Orphanet 77297, MedGen C1864997, MONDO:0012316, OMIM 609628.

Submission:

Labcorp Genetics (formerly Invitae), Labcorp
Classification: Uncertain significance for Majeed syndrome. Last evaluated: 2019-07-12. Review status: criteria provided, single submitter. Criteria: Invitae Variant Classification Sherloc (09022015). Collection method: clinical testing. Allele origin: germline.
Comment: In summary, the available evidence is currently insufficient to determine the role of this variant in disease. Therefore, it has been classified as a Variant of Uncertain Significance. Algorithms developed to predict the effect of missense changes on protein structure and function (SIFT, PolyPhen-2, Align-GVGD) all suggest that this variant is likely to be tolerated, but these predictions have not been confirmed by published functional studies and their clinical significance is uncertain. This variant has not been reported in the literature in individuals with LPIN2-related disease. This variant is not present in population databases (ExAC no frequency). This sequence change replaces cysteine with tyrosine at codon 874 of the LPIN2 protein (p.Cys874Tyr). The cysteine residue is moderately conserved and there is a large physicochemical difference between cysteine and tyrosine.

NM_001375808.2(LPIN2):c.2621G>A (p.Cys874Tyr)

Gene: LPIN2 (lipin 2; minus strand). Cytogenetic location: 18p11.31.
Variant type: single nucleotide variant.
Coding change: c.2621G>A on transcript NM_001375808.2 (MANE Select); coding-DNA position 2621, G replaced by A.
Protein change: p.Cys874Tyr; replaces cysteine 874 with tyrosine.
Molecular consequence: missense variant.
Genome position (GRCh38, 1-based): chr18:2,920,363, C>T on the plus strand (G>A on the coding strand, the complement: LPIN2 is on the minus strand). VCF-style: chr18-2920363-C-T. GRCh37 (hg19) VCF-style: chr18-2920361-C-T.
Other names: c.2621G>A, p.Cys874Tyr (NM_001375809.1, NM_014646.2); short protein forms C874Y.
Identifiers: ClinVar variation 536350 (VCV000536350.11), dbSNP rs201160155, ClinGen allele CA401693829.